The following is an entry in ClinVar:

NM_014809.4(KIAA0319):c.1768A>G (p.Met590Val)

Gene: KIAA0319 (KIAA0319; minus strand). Cytogenetic location: 6p22.3.
Variant type: single nucleotide variant.
Coding change: c.1768A>G on transcript NM_014809.4 (MANE Select); coding-DNA position 1768, A replaced by G.
Protein change: p.Met590Val; replaces methionine 590 with valine.
Molecular consequence: missense variant. On other transcripts: intron variant (1).
Genome position (GRCh38, 1-based): chr6:24,572,665, T>C on the plus strand (A>G on the coding strand, the complement: KIAA0319 is on the minus strand). VCF-style: chr6-24572665-T-C. GRCh37 (hg19) VCF-style: chr6-24572893-T-C.
Other names: NC_000006.11:g.24572893T>C; c.1741A>G, p.Met581Val (NM_001168374.2); c.1768A>G, p.Met590Val (NM_001168375.2, NM_001168377.2, NM_001350403.2 and 2 more transcripts); c.1633A>G, p.Met545Val (NM_001168376.2, NM_001350406.2); c.1750A>G, p.Met584Val (NM_001350404.2); c.1669A>G, p.Met557Val (NM_001350405.2); c.1312A>G, p.Met438Val (NM_001350409.2, NM_001350410.2); c.7-6A>G (NM_001252328.2); short protein forms M438V, M545V, M557V, M581V, M584V, M590V.
Identifiers: ClinVar variation 3039025 (VCV003039025.4), dbSNP rs146550659, ClinGen allele CA3657384.

ClinVar aggregate classification (germline): Uncertain significance. Review status: criteria provided, single submitter (1 of 4 stars). 2 submissions from 2 submitters: Uncertain significance (1). 1 of the submissions does not count toward it. Last evaluated 2025-08-05.

Conditions:
KIAA0319-related disorder. Also called: KIAA0319-related condition.

Allele frequency attached by ClinVar (database versions not stated): gnomAD exomes 0.00025; ExAC 0.00082; ESP Exome Variant Server 0.00169; gnomAD 0.00209; TOPMed 0.00249; 1000 Genomes Project 0.00339; 1000 Genomes Project 30x 0.00390.
gnomAD v4.1: 717 of 1,613,860 alleles (0.044%); highest among the groups gnomAD compares: African/African-American, 0.64%; 4 homozygotes.

Submissions (3):

Ambry Genetics
Classification: Uncertain significance. Last evaluated: 2025-08-05. Review status: criteria provided, single submitter. Criteria: Ambry Variant Classification Scheme 2023. Collection method: clinical testing. Allele origin: germline.

PreventionGenetics, part of Exact Sciences
Classification: Likely benign for KIAA0319-related condition. Last evaluated: 2019-02-21. Review status: no assertion criteria provided. Collection method: clinical testing. Allele origin: germline. Not counted in ClinVar's aggregate classification.
Comment: This variant is classified as likely benign based on ACMG/AMP sequence variant interpretation guidelines (Richards et al. 2015 PMID: 25741868, with internal and published modifications).

Dr. Peter K. Rogan Lab, Western University
No classification provided (evidence only). Condition: Clear cell carcinoma of kidney. Review status: no classification provided. Collection method: in vitro. Allele origin: not applicable. Functional consequence: retained intron. Not counted in ClinVar's aggregate classification.